The following is an entry in ClinVar:

ClinVar aggregate classification (germline): Pathogenic/Likely pathogenic. Review status: criteria provided, multiple submitters, no conflicts (2 of 4 stars). 2 submissions from 2 submitters: Pathogenic (1); Likely pathogenic (1). Last evaluated 2025-02-18.

Conditions:
Spongy degeneration of central nervous system. Also called: ACY2 DEFICIENCY; AMINOACYLASE 2 DEFICIENCY; ASP DEFICIENCY; ASPA DEFICIENCY; ASPARTOACYLASE DEFICIENCY; CANAVAN-VAN BOGAERT-BERTRAND DISEASE. Identifiers: Orphanet 141, MedGen C0206307, MONDO:0010079, OMIM 271900.

Submissions (2):

Natera, Inc.
Classification: Likely pathogenic for Canavan Disease. Last evaluated: 2025-02-18. Review status: criteria provided, single submitter. Criteria: Natera Variant Classification Schema (03/2026). Collection method: clinical testing. Allele origin: germline.
Comment: The c.556G>T variant in ASPA is a missense variant predicted to cause substitution of valine to phenylalanine at amino acid 186. This variant is rare in the general population with a frequency below the threshold expected for the associated phenotype(s). This variant has been observed in one or more individuals affected with the associated recessive disease, as either homozygous or compound heterozygous with a second variant (PMID: 28101991). A different variant at the same position has been determined to be Pathogenic or Likely Pathogenic. Computational prediction algorithms indicate this variant is likely to affect gene or protein function. Given the available evidence, this variant is classified as Likely Pathogenic.

Labcorp Genetics (formerly Invitae), Labcorp
Classification: Pathogenic for Spongy degeneration of central nervous system. Last evaluated: 2024-02-06. Review status: criteria provided, single submitter. Criteria: Invitae Variant Classification Sherloc (09022015). Collection method: clinical testing. Allele origin: germline.
Comment: This sequence change replaces valine, which is neutral and non-polar, with phenylalanine, which is neutral and non-polar, at codon 186 of the ASPA protein (p.Val186Phe). This variant is not present in population databases (gnomAD no frequency). This missense change has been observed in individual(s) with Canavan disease (PMID: 28101991). Advanced modeling of protein sequence and biophysical properties (such as structural, functional, and spatial information, amino acid conservation, physicochemical variation, residue mobility, and thermodynamic stability) performed at Invitae indicates that this missense variant is expected to disrupt ASPA protein function with a positive predictive value of 95%. Experimental studies have shown that this missense change affects ASPA function (PMID: 28101991). This variant disrupts the p.Val186 amino acid residue in ASPA. Other variant(s) that disrupt this residue have been determined to be pathogenic (PMID: 27531131; Invitae). This suggests that this residue is clinically significant, and that variants that disrupt this residue are likely to be disease-causing. For these reasons, this variant has been classified as Pathogenic.

Literature cited by the submitters: PubMed 28101991 (cited by Natera, Inc. and Labcorp Genetics (formerly Invitae), Labcorp); PubMed 27531131 (cited by Labcorp Genetics (formerly Invitae), Labcorp).

NM_000049.4(ASPA):c.556G>T (p.Val186Phe)

Genes: ASPA (aspartoacylase; plus strand), SPATA22 (spermatogenesis associated 22; minus strand). Cytogenetic location: 17p13.2.
Variant type: single nucleotide variant.
Coding change: c.556G>T on transcript NM_000049.4 (MANE Select); coding-DNA position 556, G replaced by T.
Protein change: p.Val186Phe; replaces valine 186 with phenylalanine.
Molecular consequence: missense variant. On other transcripts: intron variant (2).
Genome position (GRCh38, 1-based): chr17:3,489,264, G>T. VCF-style: chr17-3489264-G-T. GRCh37 (hg19) VCF-style: chr17-3392558-G-T.
Other names: c.556G>T, p.Val186Phe (NM_001128085.1); c.-73-19866C>A (NM_001321336.2, NM_001321337.2); short protein forms V186F.
Identifiers: ClinVar variation 3722388 (VCV003722388.2).